The following is an entry in ClinVar:

NM_000090.4(COL3A1):c.4284C>A (p.Val1428=)

Gene: COL3A1 (collagen type III alpha 1 chain; plus strand). Cytogenetic location: 2q32.2.
Variant type: single nucleotide variant.
Coding change: c.4284C>A on transcript NM_000090.4 (MANE Select); coding-DNA position 4284, C replaced by A.
Protein change: p.Val1428=; no amino-acid change (valine 1428 retained).
Molecular consequence: synonymous variant.
Genome position (GRCh38, 1-based): chr2:189,011,657, C>A. VCF-style: chr2-189011657-C-A. GRCh37 (hg19) VCF-style: chr2-189876383-C-A.
Identifiers: ClinVar variation 697263 (VCV000697263.12), dbSNP rs746436515, ClinGen allele CA076552.
Genomic context (GRCh38, chr2:189,011,657, plus strand): 5'-ATGATCATGTACATTTTGTCCTTTTTTACAGAAACACACTGGGGAATGGAGCAAAACAGT[C>A]TTTGAATATCGAACACGCAAGGCTGTGAGACTACCTATTGTAGATATTGCACCCTATGAC-3'
Protein context (NP_000081.2, residues 1418-1438): TKHTGEWSKT[Val1428=]FEYRTRKAVR

ClinVar aggregate classification (germline): Likely benign. Review status: criteria provided, multiple submitters, no conflicts (2 of 4 stars). 2 submissions from 2 submitters: Likely benign (2). Last evaluated 2025-02-04.

Conditions:
Ehlers-Danlos syndrome, type 4 (EDSVASC). Also called: Ehlers-Danlos syndrome vascular type; Ehlers Danlos syndrome, ecchymotic type; Ehlers Danlos syndrome, arterial type; Ehlers Danlos syndrome, Sack-Barabas type; Ehlers-Danlos Syndrome Type IV. Identifiers: Orphanet 286, MedGen C0268338, MONDO:0017314, OMIM 130050.

Allele frequency attached by ClinVar (database versions not stated): gnomAD exomes below 0.00001; TOPMed below 0.00001; ExAC 0.00001; gnomAD 0.00001.
gnomAD v4.1: 3 of 1,613,878 alleles (0.00019%); highest among the groups gnomAD compares: Non-Finnish European, 0.00025%; no homozygotes.

Submissions (2):

Labcorp Genetics (formerly Invitae), Labcorp
Classification: Likely benign for Ehlers-Danlos syndrome, type 4. Last evaluated: 2025-02-04. Review status: criteria provided, single submitter. Criteria: Invitae Variant Classification Sherloc (09022015). Collection method: clinical testing. Allele origin: germline.

All of Us Research Program, National Institutes of Health
Classification: Likely benign for Ehlers-Danlos syndrome, type 4. Last evaluated: 2023-01-10. Review status: criteria provided, single submitter. Criteria: ACMG Guidelines, 2015. Collection method: clinical testing. Allele origin: germline. Inheritance: Autosomal dominant inheritance. Observed: 1 variant allele, 1 heterozygote.
Comment: This study involves interpretation of variants in research participants for the purpose of population health screening. Participant phenotype was not available at the time of variant classification. Additional details can be found in publication PMID: 35346344, PMCID: PMC8962531